The following is an entry in ClinVar:

NM_000883.4(IMPDH1):c.1262-1G>T

Gene: IMPDH1 (inosine monophosphate dehydrogenase 1; minus strand). Cytogenetic location: 7q32.1.
Variant type: single nucleotide variant.
Coding change: c.1262-1G>T on transcript NM_000883.4 (MANE Select); the canonical splice acceptor site of the intron before coding-DNA position 1262, G replaced by T.
Molecular consequence: splice acceptor variant.
Genome position (GRCh38, 1-based): chr7:128,395,275, C>A on the plus strand (G>T on the coding strand, the complement: IMPDH1 is on the minus strand). VCF-style: chr7-128395275-C-A. GRCh37 (hg19) VCF-style: chr7-128035329-C-A.
Other names: c.1232-1G>T (NM_001102605.2); c.1163-1G>T (NM_001142576.2); c.932-1G>T (NM_001142575.2); c.992-1G>T (NM_001142574.2); c.1007-1G>T (NM_001142573.2); c.1055-1G>T (NM_001304521.2); c.1154-1G>T (NM_183243.3).
Identifiers: ClinVar variation 2093296 (VCV002093296.4), dbSNP rs1280344503, ClinGen allele CA369164165.
Genomic context (GRCh38, chr7:128,395,275, plus strand): 5'-GCCGGGCATACTCAGCCACCTTGTACACAGCAGTGCCCTGGGGCCGACCACAGGCCATCA[C>A]TGGGGGAGGGTGGGGTGCACAAGGCAGAGAAGAGTCAACAGCAACTCCGGGGCCTGGAGC-3'

ClinVar aggregate classification (germline): Likely pathogenic (1 of 4 stars; one submission).

Submission:

Labcorp Genetics (formerly Invitae), Labcorp
Classification: Likely pathogenic. Last evaluated: 2023-07-21. Review status: criteria provided, single submitter. Criteria: Invitae Variant Classification Sherloc (09022015). Collection method: clinical testing. Allele origin: germline.
Comment: In summary, the currently available evidence indicates that the variant is pathogenic, but additional data are needed to prove that conclusively. Therefore, this variant has been classified as Likely Pathogenic. Algorithms developed to predict the effect of sequence changes on RNA splicing suggest that this variant may disrupt the consensus splice site. ClinVar contains an entry for this variant (Variation ID: 2093296). This variant has not been reported in the literature in individuals affected with IMPDH1-related conditions. This variant is not present in population databases (gnomAD no frequency). This sequence change affects an acceptor splice site in intron 12 of the IMPDH1 gene. It is expected to disrupt RNA splicing. Variants that disrupt the donor or acceptor splice site typically lead to a loss of protein function (PMID: 16199547), and loss-of-function variants in IMPDH1 are known to be pathogenic (PMID: 14981049, 33090715).

Literature cited by the submitters: PubMed 16199547; PubMed 14981049; PubMed 33090715.